The following is an entry in ClinVar:

ClinVar aggregate classification (germline): Likely benign. Review status: criteria provided, multiple submitters, no conflicts (2 of 4 stars). 5 submissions from 5 submitters: Likely benign (5). Last evaluated 2025-11-03.

Conditions:
Complement component 3 deficiency. Identifiers: Orphanet 280133, MedGen C3151071, MONDO:0013417, OMIM 613779.
Age related macular degeneration 9. Identifiers: MedGen C1969651, MONDO:0012659, OMIM 611378.
Atypical hemolytic-uremic syndrome with C3 anomaly. Also called: AHUS, SUSCEPTIBILITY TO, 5. Identifiers: Orphanet 2134, MedGen C2752037, MONDO:0013043, OMIM 612925.

Allele frequency attached by ClinVar (database versions not stated): ExAC 0.00008; ESP Exome Variant Server 0.00008; gnomAD 0.00009 and 0.00011; gnomAD exomes 0.00010 and 0.00023; TOPMed 0.00014.
gnomAD v4.1: 364 of 1,613,924 alleles (0.023%); highest among the groups gnomAD compares: Non-Finnish European, 0.029%; no homozygotes.

Submissions (5):

Labcorp Genetics (formerly Invitae), Labcorp
Classification: Likely benign. Last evaluated: 2025-11-03. Review status: criteria provided, single submitter. Criteria: Invitae Variant Classification Sherloc (09022015). Collection method: clinical testing. Allele origin: germline.

Women's Health and Genetics/Laboratory Corporation of America, LabCorp
Classification: Likely benign. Last evaluated: 2025-09-26. Review status: criteria provided, single submitter. Criteria: LabCorp Variant Classification Summary - May 2015. Collection method: clinical testing. Allele origin: germline.
Comment: Variant summary: C3 c.216G>A alters a non-conserved nucleotide resulting in a synonymous change. Consensus agreement among computation tools predict no significant impact on normal splicing. However, these predictions have yet to be confirmed by functional studies. The variant allele was found at a frequency of 9.5e-05 in 251472 control chromosomes. This frequency is not significantly higher than estimated for disease-causing variants in C3, allowing no conclusion about variant significance. To our knowledge, no occurrence of c.216G>A in individuals affected with C3-related conditions and no experimental evidence demonstrating its impact on protein function have been reported. ClinVar contains an entry for this variant (Variation ID: 1547733). Based on the evidence outlined above, the variant was classified as likely benign.

Mayo Clinic Laboratories, Mayo Clinic
Classification: Likely benign. Last evaluated: 2025-02-17. Review status: criteria provided, single submitter. Criteria: ACMG Guidelines, 2015. Collection method: clinical testing. Allele origin: germline. Observed: 2 variant alleles.
Comment: BP4, BP7

Blueprint Genetics
Classification: Likely benign. Last evaluated: 2022-07-14. Review status: criteria provided, single submitter. Criteria: ACMG Guidelines, 2015. Collection method: clinical testing. Allele origin: germline.

Fulgent Genetics
Classification: Likely benign for Age related macular degeneration 9; Atypical hemolytic-uremic syndrome with C3 anomaly; Complement component 3 deficiency. Last evaluated: 2021-11-16. Review status: criteria provided, single submitter. Criteria: ACMG Guidelines, 2015. Collection method: clinical testing. Allele origin: unknown.

NM_000064.4(C3):c.216G>A (p.Glu72=)

Gene: C3 (complement C3; minus strand). Cytogenetic location: 19p13.3.
Variant type: single nucleotide variant.
Coding change: c.216G>A on transcript NM_000064.4 (MANE Select); coding-DNA position 216, G replaced by A.
Protein change: p.Glu72=; no amino-acid change (glutamic acid 72 retained).
Molecular consequence: synonymous variant.
Genome position (GRCh38, 1-based): chr19:6,719,262, C>T on the plus strand (G>A on the coding strand, the complement: C3 is on the minus strand). VCF-style: chr19-6719262-C-T. GRCh37 (hg19) VCF-style: chr19-6719273-C-T.
Other names: p.Glu72=.
Identifiers: ClinVar variation 1547733 (VCV001547733.12), dbSNP rs375940408, ClinGen allele CA9129881.
Genomic context (GRCh38, chr19:6,719,262, plus strand): 5'-TGCACTCACCGTGAAGGTGACGTTGCCCATGTGGTTGGTGGCAGGGGTCAGCACAGTCTT[C>T]TCACTGGACAGCACTAGTTTTTTGCCTGGGAAGTCGTGGACAGTAACAGTGACTGGAACA-3'
Protein context (NP_000055.2, residues 62-82): FPGKKLVLSS[Glu72=]KTVLTPATNH